The following is an entry in ClinVar:

ClinVar aggregate classification (germline): Pathogenic (1 of 4 stars; one submission).

gnomAD v4.1: 1 of 1,614,002 alleles (0.000062%); highest among the groups gnomAD compares: South Asian, 0.0011%; no homozygotes.

Submission:

Labcorp Genetics (formerly Invitae), Labcorp
Classification: Pathogenic. Last evaluated: 2025-12-08. Review status: criteria provided, single submitter. Criteria: Invitae Variant Classification Sherloc (09022015). Collection method: clinical testing. Allele origin: germline.
Comment: This sequence change creates a premature translational stop signal (p.Gln1786*) in the ALPK3 gene. While this is not anticipated to result in nonsense mediated decay, it is expected to disrupt the last 122 amino acid(s) of the ALPK3 protein. This variant is not present in population databases (gnomAD no frequency). This variant has not been reported in the literature in individuals affected with ALPK3-related conditions. This variant disrupts a region of the ALPK3 protein in which other variant(s) (p.Arg1792*) have been determined to be pathogenic (PMID: 34263907; internal data). This suggests that this is a clinically significant region of the protein, and that variants that disrupt it are likely to be disease-causing. For these reasons, this variant has been classified as Pathogenic.

Literature cited by the submitters: PubMed 34263907.

NM_020778.5(ALPK3):c.4750C>T (p.Gln1584Ter)

Gene: ALPK3 (alpha kinase 3; plus strand). Cytogenetic location: 15q25.3.
Variant type: single nucleotide variant.
Coding change: c.4750C>T on transcript NM_020778.5 (MANE Select); coding-DNA position 4750, C replaced by T.
Protein change: p.Gln1584Ter; replaces glutamine 1584 with a stop codon.
Molecular consequence: nonsense.
Genome position (GRCh38, 1-based): chr15:84,867,343, C>T. VCF-style: chr15-84867343-C-T. GRCh37 (hg19) VCF-style: chr15-85410574-C-T.
Other names: short protein forms Q1584*.
Identifiers: ClinVar variation 4732708 (VCV004732708.1).